The following is an entry in ClinVar:

ClinVar aggregate classification (germline): Benign/Likely benign. Review status: criteria provided, multiple submitters, no conflicts (2 of 4 stars). 7 submissions from 7 submitters: Benign (4); Likely benign (2). 1 of the submissions does not count toward it. Last evaluated 2026-01-26.

Conditions:
OTOG-related disorder. Also called: OTOG-related condition.

Allele frequency attached by ClinVar (database versions not stated): 1000 Genomes Project 30x 0.00109; 1000 Genomes Project 0.00140; ExAC 0.00267; TOPMed 0.00362.
gnomAD v4.1: 8,157 of 1,539,486 alleles (0.53%); highest among the groups gnomAD compares: Non-Finnish European, 0.64%; 25 homozygotes.

Submissions (7):

Labcorp Genetics (formerly Invitae), Labcorp
Classification: Benign. Last evaluated: 2026-01-26. Review status: criteria provided, single submitter. Criteria: Invitae Variant Classification Sherloc (09022015). Collection method: clinical testing. Allele origin: germline.

CeGaT Center for Human Genetics Tuebingen
Classification: Likely benign. Last evaluated: 2025-02-01. Review status: criteria provided, single submitter. Criteria: CeGaT Center For Human Genetics Tuebingen Variant Classification Criteria Version 2. Collection method: clinical testing. Allele origin: germline. Affected: yes. Observed: 4 variant alleles.
Comment: OTOG: BP4, BS2

Blueprint Genetics
Classification: Likely benign. Last evaluated: 2024-11-27. Review status: criteria provided, single submitter. Criteria: ACMG Guidelines, 2015. Collection method: clinical testing. Allele origin: germline.

GeneDx
Classification: Benign. Last evaluated: 2019-04-24. Review status: criteria provided, single submitter. Criteria: GeneDx Variant Classification Process June 2021. Collection method: clinical testing. Allele origin: germline. Affected: yes.

Laboratory for Molecular Medicine, Mass General Brigham Personalized Medicine
Classification: Benign. Last evaluated: 2015-10-23. Review status: criteria provided, single submitter. Criteria: LMM Criteria. Collection method: clinical testing. Allele origin: germline. Observed: 8 variant alleles.
Comment: p.Arg920Leu in exon 22 of OTOG: This variant is not expected to have clinical si gnificance because it has been identified in 0.6 % (29/4534) of European chromos omes by the Exome Aggregation Consortium (ExAC; dbSNP rs144060182).

Breakthrough Genomics
Classification: Benign. Review status: criteria provided, single submitter. Criteria: ACMG Guidelines, 2015. Collection method: not provided. Allele origin: germline. Inheritance: Autosomal recessive inheritance. Affected: yes.

PreventionGenetics, part of Exact Sciences
Classification: Benign for OTOG-related condition. Last evaluated: 2021-11-11. Review status: no assertion criteria provided. Collection method: clinical testing. Allele origin: germline. Not counted in ClinVar's aggregate classification.
Comment: This variant is classified as benign based on ACMG/AMP sequence variant interpretation guidelines (Richards et al. 2015 PMID: 25741868, with internal and published modifications).

NM_001292063.2(OTOG):c.2723G>T (p.Arg908Leu)

Gene: OTOG (otogelin; plus strand). Cytogenetic location: 11p15.1.
Variant type: single nucleotide variant.
Coding change: c.2723G>T on transcript NM_001292063.2 (MANE Select); coding-DNA position 2723, G replaced by T.
Protein change: p.Arg908Leu; replaces arginine 908 with leucine.
Molecular consequence: missense variant.
Genome position (GRCh38, 1-based): chr11:17,578,490, G>T. VCF-style: chr11-17578490-G-T. GRCh37 (hg19) VCF-style: chr11-17600037-G-T.
Other names: c.2759G>T, p.Arg920Leu (NM_001277269.2); short protein forms R920L, R908L.
Identifiers: ClinVar variation 226874 (VCV000226874.38), dbSNP rs144060182, ClinGen allele CA5905660.
Genomic context (GRCh38, chr11:17,578,490, plus strand): 5'-TGGAGCTGAGCAGGGAGAGGACGTGTGAGCAGCAACTGCTGAACCTGAGCGTGTCAGCCC[G>T]TGGCCCCTGCCTCTCGGGCTGCGCCTGTCCCCAGGGGTAAGTACCCATGGTGTCGTGGGC-3'
Protein context (NP_001278992.1, residues 898-918): QQLLNLSVSA[Arg908Leu]GPCLSGCACP